The following is an entry in ClinVar:

NM_001040436.3(YARS2):c.353G>T (p.Arg118Leu)

Gene: YARS2 (tyrosyl-tRNA synthetase 2; minus strand). Cytogenetic location: 12p11.21.
Variant type: single nucleotide variant.
Coding change: c.353G>T on transcript NM_001040436.3 (MANE Select); coding-DNA position 353, G replaced by T.
Protein change: p.Arg118Leu; replaces arginine 118 with leucine.
Molecular consequence: missense variant.
Genome position (GRCh38, 1-based): chr12:32,755,522, C>A on the plus strand (G>T on the coding strand, the complement: YARS2 is on the minus strand). VCF-style: chr12-32755522-C-A. GRCh37 (hg19) VCF-style: chr12-32908456-C-A.
Other names: short protein forms R118L.
Identifiers: ClinVar variation 3365116 (VCV003365116.2).

ClinVar aggregate classification (germline): Uncertain significance. Review status: criteria provided, multiple submitters, no conflicts (2 of 4 stars). 2 submissions from 2 submitters: Uncertain significance (2). Last evaluated 2025-01-21.

Conditions:
Inborn genetic diseases. Identifiers: MedGen C0950123, MeSH D030342.

Submissions (2):

Ambry Genetics
Classification: Uncertain significance for Inborn genetic diseases. Last evaluated: 2025-01-21. Review status: criteria provided, single submitter. Criteria: Ambry Variant Classification Scheme 2023. Collection method: clinical testing. Allele origin: germline.

GeneDx
Classification: Uncertain significance. Last evaluated: 2023-12-04. Review status: criteria provided, single submitter. Criteria: GeneDx Variant Classification Process June 2021. Collection method: clinical testing. Allele origin: germline. Affected: yes.
Comment: Not observed at significant frequency in large population cohorts (gnomAD); In silico analysis supports that this missense variant does not alter protein structure/function; Has not been previously published as pathogenic or benign to our knowledge